The following is an entry in ClinVar:

ClinVar aggregate classification (germline): Uncertain significance (1 of 4 stars; one submission).

Conditions:
Baller-Gerold syndrome (BGS). Also called: CRANIOSYNOSTOSIS WITH RADIAL DEFECTS. Identifiers: Orphanet 1225, MedGen C0265308, MONDO:0009039, OMIM 218600.

Submission:

Labcorp Genetics (formerly Invitae), Labcorp
Classification: Uncertain significance for Baller-Gerold syndrome. Last evaluated: 2021-09-21. Review status: criteria provided, single submitter. Criteria: Invitae Variant Classification Sherloc (09022015). Collection method: clinical testing. Allele origin: germline.
Comment: This variant has not been reported in the literature in individuals with RECQL4-related conditions. This variant results in a copy number gain of the genomic region encompassing exon(s) 3-21 of the RECQL4 gene. The 5' boundary is likely confined to intron 2. The 3' end of this event is unknown as it extends beyond the assayed region for this gene and therefore may encompass additional genes. As the precise location of this event is unknown, it may be in tandem or it may be located elsewhere in the genome. In summary, the available evidence is currently insufficient to determine the role of this variant in disease. Therefore, it has been classified as a Variant of Uncertain Significance.

NC_000008.10:g.(?_145736814)_(145742902_?)dup

Gene: RECQL4 (RecQ like helicase 4; minus strand). Cytogenetic location: 8q24.3.
Variant type: Duplication.
Identifiers: ClinVar variation 1054323 (VCV001054323.5).